The following is an entry in ClinVar:

ClinVar aggregate classification (germline): Uncertain significance (1 of 4 stars; one submission).

gnomAD v4.1: 3 of 1,614,234 alleles (0.00019%); highest among the groups gnomAD compares: Non-Finnish European, 0.00025%; no homozygotes.

Submission:

GeneDx
Classification: Uncertain significance. Last evaluated: 2025-06-24. Review status: criteria provided, single submitter. Criteria: GeneDx Variant Classification Process June 2021. Collection method: clinical testing. Allele origin: germline. Affected: yes.
Comment: In silico analysis suggests that this missense variant does not alter protein structure/function; Has not been previously published as pathogenic or benign to our knowledge

NM_006734.4(HIVEP2):c.4091T>C (p.Ile1364Thr)

Gene: HIVEP2 (HIVEP zinc finger 2; minus strand). Cytogenetic location: 6q24.2.
Variant type: single nucleotide variant.
Coding change: c.4091T>C on transcript NM_006734.4 (MANE Select); coding-DNA position 4091, T replaced by C.
Protein change: p.Ile1364Thr; replaces isoleucine 1364 with threonine.
Molecular consequence: missense variant.
Genome position (GRCh38, 1-based): chr6:142,770,648, A>G on the plus strand (T>C on the coding strand, the complement: HIVEP2 is on the minus strand). VCF-style: chr6-142770648-A-G. GRCh37 (hg19) VCF-style: chr6-143091785-A-G.
Other names: c.4091T>C, p.Ile1364Thr (NM_001438449.1, NM_001438450.1, NM_001438451.1); short protein forms I1364T.
Identifiers: ClinVar variation 4540072 (VCV004540072.1).